The following is an entry in ClinVar:

NM_002036.4(ACKR1):c.125G>A (p.Gly42Asp)

Gene: ACKR1 (atypical chemokine receptor 1 (Duffy blood group); plus strand). Cytogenetic location: 1q23.2.
Variant type: single nucleotide variant.
Coding change: c.125G>A on transcript NM_002036.4 (MANE Select); coding-DNA position 125, G replaced by A.
Protein change: p.Gly42Asp; replaces glycine 42 with aspartic acid.
Molecular consequence: missense variant.
Genome position (GRCh38, 1-based): chr1:159,205,564, G>A. VCF-style: chr1-159205564-G-A. GRCh37 (hg19) VCF-style: chr1-159175354-G-A.
Other names: FYB; c.131G>A, p.Gly44Asp (NM_001122951.3); c.131G>A (NM_001122951.2); short protein forms G42D.
Identifiers: ClinVar variation 17728 (VCV000017728.9), dbSNP rs12075, ClinGen allele CA113785.

ClinVar aggregate classification (germline): Benign. Review status: criteria provided, multiple submitters, no conflicts (2 of 4 stars). 4 submissions from 4 submitters: Benign (2). 2 of the submissions do not count toward it. Last evaluated 2016-05-27.

Conditions:
ACKR1-related disorder. Also called: ACKR1-related condition.
DUFFY BLOOD GROUP SYSTEM, FYA/FYB POLYMORPHISM.

Allele frequency attached by ClinVar (database versions not stated): 1000 Genomes Project 0.54054; gnomAD exomes 0.55472 and 0.51203; 1000 Genomes Project 30x 0.55543; gnomAD 0.64319 and 0.66206; TOPMed 0.65680; ExAC 0.52350.
gnomAD v4.1: 909,100 of 1,613,990 alleles (56%); highest among the groups gnomAD compares: African/African-American, 93%; 269,798 homozygotes.

Submissions (4):

Laboratory for Molecular Medicine, Mass General Brigham Personalized Medicine
Classification: Benign. Last evaluated: 2016-05-27. Review status: criteria provided, single submitter. Criteria: LMM Criteria. Collection method: clinical testing. Allele origin: germline. Observed: 1 variant allele.
Comment: p.Gly42Asp in exon 2 of DARC: This variant is not expected to have clinical sign ificance because it has been identified in 92.68% (9644/10406) of African chromo somes by the Exome Aggregation Consortium (ExAC; dbSNP rs12075).

Breakthrough Genomics
Classification: Benign. Review status: criteria provided, single submitter. Criteria: ACMG Guidelines, 2015. Collection method: not provided. Allele origin: germline. Inheritance: Autosomal recessive inheritance. Affected: yes.

PreventionGenetics, part of Exact Sciences
Classification: Benign for ACKR1-related condition. Last evaluated: 2019-10-16. Review status: no assertion criteria provided. Collection method: clinical testing. Allele origin: germline. Not counted in ClinVar's aggregate classification.
Comment: This variant is classified as benign based on ACMG/AMP sequence variant interpretation guidelines (Richards et al. 2015 PMID: 25741868, with internal and published modifications).

OMIM
Classification: Benign for DUFFY BLOOD GROUP SYSTEM, FYA/FYB POLYMORPHISM. Last evaluated: 2015-08-10. Review status: no assertion criteria provided. Collection method: literature only. Allele origin: germline. Not counted in ClinVar's aggregate classification.

Literature cited by the submitters: PubMed 7705836 (cited by OMIM); PubMed 7669660 (cited by OMIM); PubMed 10791881 (cited by OMIM); PubMed 8547665 (cited by OMIM).